The following is an entry in ClinVar:

ClinVar aggregate classification (germline): Uncertain significance (1 of 4 stars; one submission).

Allele frequency attached by ClinVar (database versions not stated): gnomAD exomes below 0.00001 and 0.00001; ExAC 0.00001.
gnomAD v4.1: 3 of 1,612,600 alleles (0.00019%); highest among the groups gnomAD compares: South Asian, 0.0022%; no homozygotes.

Submission:

Genetic Services Laboratory, University of Chicago
Classification: Uncertain significance. Last evaluated: 2020-10-12. Review status: criteria provided, single submitter. Criteria: ACMG Guidelines, 2015. Collection method: clinical testing. Allele origin: germline. Affected: no.
Comment: DNA sequence analysis of the RBBP8 gene demonstrated a sequence change, c.335A>G, in exon 5 that results in an amino acid change, p.Gln112Arg. This sequence change does not appear to have been previously described in individuals with RBBP8-related disorders and has been described in the gnomAD database in three individuals with an overall population frequency of 0.0012% (dbSNP rs757622472). The p.Gln112Arg change affects a highly conserved amino acid residue located in a domain of the RBBP8 protein that is known to be functional. In-silico pathogenicity prediction tools (SIFT, PolyPhen2, Align GVGD, REVEL) provide contradictory results for the p.Gln112Arg substitution. Due to these contrasting evidences and the lack of functional studies, the clinical significance of the p.Gln112Arg change remains unknown at this time.

NM_002894.3(RBBP8):c.335A>G (p.Gln112Arg)

Gene: RBBP8 (RB binding protein 8, endonuclease; plus strand). Cytogenetic location: 18q11.2.
Variant type: single nucleotide variant.
Coding change: c.335A>G on transcript NM_002894.3 (MANE Select); coding-DNA position 335, A replaced by G.
Protein change: p.Gln112Arg; replaces glutamine 112 with arginine.
Molecular consequence: missense variant.
Genome position (GRCh38, 1-based): chr18:22,968,892, A>G. VCF-style: chr18-22968892-A-G. GRCh37 (hg19) VCF-style: chr18-20548855-A-G.
Other names: c.335A>G, p.Gln112Arg (NM_203291.2, NM_203292.2); short protein forms Q112R.
Identifiers: ClinVar variation 1337747 (VCV001337747.4), dbSNP rs757622472, ClinGen allele CA8909782.
Genomic context (GRCh38, chr18:22,968,892, plus strand): 5'-GTGCAGTAACTGAAGAACATATGCGGAAAAAACAGCAAGAGTTTGAAAATATCCGGCAGC[A>G]GAATCTTAAACTTATTACAGAACTTAGTGAGTTTCCTTTCTTCATTTATTATTTAAAGTA-3'
Protein context (NP_002885.1, residues 102-122): KQQEFENIRQ[Gln112Arg]NLKLITELMN